The following is an entry in ClinVar:

ClinVar aggregate classification (germline): Uncertain significance (1 of 4 stars; one submission).

Conditions:
Deficiency of acetyl-CoA acetyltransferase. Also called: 3-KETOTHIOLASE DEFICIENCY; 3-OXOTHIOLASE DEFICIENCY; MITOCHONDRIAL ACETOACETYL-CoA THIOLASE DEFICIENCY; Beta-ketothiolase deficiency. Identifiers: Orphanet 134, MedGen C1536500, MONDO:0008760, OMIM 203750. Disease mechanism: loss of function.

Submission:

Neuberg Centre For Genomic Medicine, NCGM
Classification: Uncertain significance for Deficiency of acetyl-CoA acetyltransferase. Review status: criteria provided, single submitter. Criteria: ACMG Guidelines, 2015. Collection method: clinical testing. Allele origin: germline. Inheritance: Autosomal recessive inheritance. Affected: yes.
Comment: The missense variant c.459G>A (p.Met153Ile) in ACAT1 gene has not been reported previously as a pathogenic variant nor as a benign variant, to our knowledge. This variant is reported with the allele frequency (0.0004%) in the gnomAD and novel in 1000 genome database. The amino acid Methionine at position 153 is changed to a Isoleucine changing protein sequence and it might alter its composition and physico-chemical properties. The variant is predicted to be damaging by both SIFT and PolyPhen2. The residue is conserved across species. For these reasons, this variant has been classified as Uncertain Significance.

NM_000019.4(ACAT1):c.459G>A (p.Met153Ile)

Gene: ACAT1 (acetyl-CoA acetyltransferase 1; plus strand). Cytogenetic location: 11q22.3.
Variant type: single nucleotide variant.
Coding change: c.459G>A on transcript NM_000019.4 (MANE Select); coding-DNA position 459, G replaced by A.
Protein change: p.Met153Ile; replaces methionine 153 with isoleucine.
Molecular consequence: missense variant. On other transcripts: non-coding transcript variant (2).
Genome position (GRCh38, 1-based): chr11:108,138,921, G>A. VCF-style: chr11-108138921-G-A. GRCh37 (hg19) VCF-style: chr11-108009648-G-A.
Other names: c.459G>A, p.Met153Ile (NM_001386677.1); c.144G>A, p.Met48Ile (NM_001386678.1); c.162G>A, p.Met54Ile (NM_001386679.1); c.189G>A, p.Met63Ile (NM_001386681.1, NM_001386682.1, NM_001386685.1 and 6 more transcripts); short protein forms M48I, M63I, M54I, M153I.
Identifiers: ClinVar variation 2585471 (VCV002585471.1), dbSNP rs2496612685, ClinGen allele CA382507091.